The following is an entry in ClinVar:

NM_001277115.2(DNAH11):c.11951A>C (p.His3984Pro)

Gene: DNAH11 (dynein axonemal heavy chain 11; plus strand). Cytogenetic location: 7p15.3.
Variant type: single nucleotide variant.
Coding change: c.11951A>C on transcript NM_001277115.2 (MANE Select); coding-DNA position 11951, A replaced by C.
Protein change: p.His3984Pro; replaces histidine 3984 with proline.
Molecular consequence: missense variant.
Genome position (GRCh38, 1-based): chr7:21,868,975, A>C. VCF-style: chr7-21868975-A-C. GRCh37 (hg19) VCF-style: chr7-21908593-A-C.
Other names: short protein forms H3984P.
Identifiers: ClinVar variation 837204 (VCV000837204.8), dbSNP rs1783392419, ClinGen allele CA366962872.

ClinVar aggregate classification (germline): Uncertain significance. Review status: criteria provided, multiple submitters, no conflicts (2 of 4 stars). 2 submissions from 2 submitters: Uncertain significance (2). Last evaluated 2024-10-22.

Conditions:
Primary ciliary dyskinesia. Also called: Ciliary dyskinesia. Identifiers: Orphanet 244, MedGen C0008780, MONDO:0016575, HP:0012265.

Submissions (2):

Ambry Genetics
Classification: Uncertain significance for Primary ciliary dyskinesia. Last evaluated: 2024-10-22. Review status: criteria provided, single submitter. Criteria: Ambry Variant Classification Scheme 2023. Collection method: clinical testing. Allele origin: germline.

Labcorp Genetics (formerly Invitae), Labcorp
Classification: Uncertain significance for Primary ciliary dyskinesia. Last evaluated: 2021-08-27. Review status: criteria provided, single submitter. Criteria: Invitae Variant Classification Sherloc (09022015). Collection method: clinical testing. Allele origin: germline.
Comment: This sequence change replaces histidine with proline at codon 3984 of the DNAH11 protein (p.His3984Pro). The histidine residue is highly conserved and there is a moderate physicochemical difference between histidine and proline. This variant is not present in population databases (ExAC no frequency). This missense change has been observed in individual(s) with clinical features of primary ciliary dyskinesia (Invitae). In at least one individual the data is consistent with the variant being in trans (on the opposite chromosome) from a pathogenic variant. Algorithms developed to predict the effect of missense changes on protein structure and function are either unavailable or do not agree on the potential impact of this missense change (SIFT: "Tolerated"; PolyPhen-2: "Probably Damaging"; Align-GVGD: "Class C0"). In summary, the available evidence is currently insufficient to determine the role of this variant in disease. Therefore, it has been classified as a Variant of Uncertain Significance.